The following is an entry in ClinVar:

ClinVar aggregate classification (germline): Uncertain significance. Review status: criteria provided, multiple submitters, no conflicts (2 of 4 stars). 2 submissions from 2 submitters: Uncertain significance (2). Last evaluated 2021-08-23.

Conditions:
Early-onset myopathy with fatal cardiomyopathy (CMYO5). Also called: Salih Myopathy; CONGENITAL MYOPATHY 5 WITH CARDIOMYOPATHY. Identifiers: Orphanet 289377, MedGen C2673677, MONDO:0012714, OMIM 611705. Disease mechanism: loss of function.
Hypertrophic cardiomyopathy 9. Also called: Familial hypertrophic cardiomyopathy 9. Identifiers: MedGen C1861065, MONDO:0013412, OMIM 613765.
Autosomal recessive limb-girdle muscular dystrophy type 2J (LGMDR10). Also called: Limb-girdle muscular dystrophy, type 2J; MUSCULAR DYSTROPHY, LIMB-GIRDLE, AUTOSOMAL RECESSIVE 10. Identifiers: Orphanet 140922, MedGen C1837342, MONDO:0012127, OMIM 608807.
Tibial muscular dystrophy (TMD). Also called: UDD MYOPATHY; Udd Distal Myopathy – Tibial Muscular Dystrophy; Tibial muscular dystrophy, tardive. Identifiers: Orphanet 609, MedGen C1838244, MONDO:0010870, OMIM 600334.
Myopathy, myofibrillar, 9, with early respiratory failure (MFM9). Also called: MYOPATHY, PROXIMAL, WITH EARLY RESPIRATORY MUSCLE INVOLVEMENT; Hereditary myopathy with early respiratory failure; EDSTROM MYOPATHY; Myopathy, distal, with early respiratory failure, autosomal dominant. Identifiers: Orphanet 178464, Orphanet 34521, MedGen C1863599, MONDO:0011362, OMIM 603689.
Dilated cardiomyopathy 1G (CMD1G). Identifiers: Orphanet 154, MedGen C1858763, MONDO:0011400, OMIM 604145.

Allele frequency attached by ClinVar (database versions not stated): gnomAD exomes 0.00001; TOPMed 0.00001; ESP Exome Variant Server 0.00008; ExAC 0.00001; gnomAD 0.00001.
gnomAD v4.1: 4 of 1,610,412 alleles (0.00025%); highest among the groups gnomAD compares: African/African-American, 0.0013%; no homozygotes.

Submissions (2):

Fulgent Genetics
Classification: Uncertain significance for Tibial muscular dystrophy; Myopathy, myofibrillar, 9, with early respiratory failure; Dilated cardiomyopathy 1G; Autosomal recessive limb-girdle muscular dystrophy type 2J; Early-onset myopathy with fatal cardiomyopathy; Hypertrophic cardiomyopathy 9. Last evaluated: 2021-08-23. Review status: criteria provided, single submitter. Criteria: ACMG Guidelines, 2015. Collection method: clinical testing. Allele origin: unknown.

ARUP Laboratories, Molecular Genetics and Genomics, ARUP Laboratories
Classification: Uncertain significance. Last evaluated: 2019-05-26. Review status: criteria provided, single submitter. Criteria: ARUP Molecular Germline Variant Investigation Process. Collection method: clinical testing. Allele origin: germline.
Comment: The TTN c.10546T>A; p.Leu3516Ile variant (rs139322919) is rare in the general population (<1% allele frequency in the Genome Aggregation Database) and has not been reported in the medical literature in association with dilated cardiomyopathy (DCM) or other TTN-related disease. The clinical relevance of rare missense variants in this gene, which are identified on average once per individual sequenced in affected populations (Herman 2012), is not well understood. Yet, evidence suggests that the vast majority of such missense variants do not contribute to the clinical outcome of DCM (Begay 2015). Thus, the clinical significance of the p.Leu3516Ile variant cannot be determined with certainty. References: Begay RL et al. Role of Titin Missense Variants in Dilated Cardiomyopathy. J Am Heart Assoc. 2015 Nov 13;4(11). Herman DS et al. Truncations of titin causing dilated cardiomyopathy. N Engl J Med. 2012 Feb 16;366(7):619-28. Linke and Hamdani. Gigantic business: titin properties and function through thick and thin. Circ Res 2014; 114(6): 1052-1068.

NM_133379.5(TTN):c.10546T>A (p.Leu3516Ile)

Gene: TTN (titin; minus strand). Cytogenetic location: 2q31.2.
Variant type: single nucleotide variant.
Coding change: c.10546T>A on transcript NM_133379.5; coding-DNA position 10546, T replaced by A.
Protein change: p.Leu3516Ile; replaces leucine 3516 with isoleucine.
Molecular consequence: missense variant. On other transcripts: intron variant (6).
Genome position (GRCh38, 1-based): chr2:178,751,854, A>T on the plus strand (T>A on the coding strand, the complement: TTN is on the minus strand). VCF-style: chr2-178751854-A-T. GRCh37 (hg19) VCF-style: chr2-179616581-A-T.
Other names: c.10222+1270T>A (NM_003319.4); c.10798+1270T>A (NM_133437.4); c.10597+1270T>A (NM_133432.3); c.10360+1270T>A (NM_133378.4, NM_001256850.1); c.11311+1270T>A (NM_001267550.2); short protein forms L3516I.
Identifiers: ClinVar variation 811419 (VCV000811419.9), dbSNP rs139322919, ClinGen allele CA2003887.